The following is an entry in ClinVar:

ClinVar aggregate classification (germline): Uncertain significance (1 of 4 stars; one submission).

Allele frequency attached by ClinVar (database versions not stated): gnomAD exomes below 0.00001; TOPMed below 0.00001; gnomAD 0.00001.

Submission:

GeneDx
Classification: Uncertain significance. Last evaluated: 2022-02-07. Review status: criteria provided, single submitter. Criteria: GeneDx Variant Classification Process June 2021. Collection method: clinical testing. Allele origin: germline. Affected: yes.
Comment: Not observed at significant frequency in large population cohorts (gnomAD); Nonsense variant predicted to result in protein truncation as the last 10 amino acids are lost, although loss-of-function variants have not been reported downstream of this position in the protein; Has not been previously published as pathogenic or benign to our knowledge

NM_024009.3(GJB3):c.781C>T (p.Gln261Ter)

Gene: GJB3 (gap junction protein beta 3; plus strand). Cytogenetic location: 1p34.3.
Variant type: single nucleotide variant.
Coding change: c.781C>T on transcript NM_024009.3 (MANE Select); coding-DNA position 781, C replaced by T.
Protein change: p.Gln261Ter; replaces glutamine 261 with a stop codon.
Molecular consequence: nonsense.
Genome position (GRCh38, 1-based): chr1:34,785,543, C>T. VCF-style: chr1-34785543-C-T. GRCh37 (hg19) VCF-style: chr1-35251144-C-T.
Other names: c.781C>T, p.Gln261Ter (NM_001005752.2); short protein forms Q261*.
Identifiers: ClinVar variation 1700826 (VCV001700826.2), dbSNP rs1290685624, ClinGen allele CA339316192.
Genomic context (GRCh38, chr1:34,785,543, plus strand): 5'-TGCCACCACAAGCTGGTGGAGGCTGGGGAGGTGGATCCAGACCCAGGCAATAACAAGCTG[C>T]AGGCTTCAGCACCCAACCTGACCCCCATCTGACCACAGGGCAGGGGTGGGGCAACATGCG-3'